The following is an entry in ClinVar:

NM_021072.4(HCN1):c.1519G>A (p.Ala507Thr)

Gene: HCN1 (hyperpolarization activated cyclic nucleotide gated potassium channel 1; minus strand). Cytogenetic location: 5p12.
Variant type: single nucleotide variant.
Coding change: c.1519G>A on transcript NM_021072.4 (MANE Select); coding-DNA position 1519, G replaced by A.
Protein change: p.Ala507Thr; replaces alanine 507 with threonine.
Molecular consequence: missense variant.
Genome position (GRCh38, 1-based): chr5:45,303,698, C>T on the plus strand (G>A on the coding strand, the complement: HCN1 is on the minus strand). VCF-style: chr5-45303698-C-T. GRCh37 (hg19) VCF-style: chr5-45303800-C-T.
Other names: short protein forms A507T.
Identifiers: ClinVar variation 932617 (VCV000932617.46), dbSNP rs1685224516, ClinGen allele CA359702542.

ClinVar aggregate classification (germline): Uncertain significance. Review status: criteria provided, multiple submitters, no conflicts (2 of 4 stars). 2 submissions from 2 submitters: Uncertain significance (2). Last evaluated 2023-07-07.

Conditions:
Early-infantile DEE. Also called: Early infantile epileptic encephalopathy; Ohtahara syndrome; Early infantile epileptic encephalopathy with suppression bursts. Identifiers: Orphanet 1934, MedGen C0393706, MONDO:0800491.

Allele frequency attached by ClinVar (database versions not stated): gnomAD 0.00001; TOPMed 0.00001.
gnomAD v4.1: 15 of 1,613,486 alleles (0.00093%); highest among the groups gnomAD compares: Non-Finnish European, 0.0013%; no homozygotes.

Submissions (2):

Labcorp Genetics (formerly Invitae), Labcorp
Classification: Uncertain significance for Early-infantile DEE. Last evaluated: 2023-07-07. Review status: criteria provided, single submitter. Criteria: Invitae Variant Classification Sherloc (09022015). Collection method: clinical testing. Allele origin: germline.
Comment: This sequence change replaces alanine, which is neutral and non-polar, with threonine, which is neutral and polar, at codon 507 of the HCN1 protein (p.Ala507Thr). This variant is not present in population databases (gnomAD no frequency). This variant has not been reported in the literature in individuals affected with HCN1-related conditions. ClinVar contains an entry for this variant (Variation ID: 932617). Advanced modeling of protein sequence and biophysical properties (such as structural, functional, and spatial information, amino acid conservation, physicochemical variation, residue mobility, and thermodynamic stability) performed at Invitae indicates that this missense variant is not expected to disrupt HCN1 protein function. In summary, the available evidence is currently insufficient to determine the role of this variant in disease. Therefore, it has been classified as a Variant of Uncertain Significance.

CeGaT Center for Human Genetics Tuebingen
Classification: Uncertain significance. Last evaluated: 2020-04-01. Review status: criteria provided, single submitter. Criteria: CeGaT Center For Human Genetics Tuebingen Variant Classification Criteria Version 2. Collection method: clinical testing. Allele origin: germline. Affected: yes. Observed: 1 variant allele.